The following is an entry in ClinVar:

ClinVar aggregate classification (germline): not provided (0 of 4 stars; one submission).

Conditions:
Gestational diabetes mellitus uncontrolled. Identifiers: MedGen C3532257.

Submission:

Institute of Molecular and Cell Biology, University of Tartu
No classification provided. Condition: Gestational diabetes mellitus uncontrolled. Review status: no classification provided. Collection method: case-control. Allele origin: unknown. Affected: yes. Study: Kasak2014.
Comment: The study aimed to determine the contribution of copy number variants in the genetic etiology of normal and complicated pregnancies. The samples represented (i) maternal blood DNA drawn from healthy pregnant women during 1st or 2nd trimester and (ii) maternal and paternal blood DNA drawn at term pregnancy cases representing normal and complicated gestations (severe preeclampsia, PE; gestational diabetes, GD; small-for-gestational age newborn, SGA; large-for-gestational age newborn, LGA). We performed CNV calling based on genome-wide genotyping dataset (Illumina HumanOmniExpress-24-v1 BeadChip) by applying three algorithms, QuantiSNP, GADA (Genome Alteration Detection Algorithm) and CNstream in parallel. The acquired CNV calls were merged with HD-CNV (Hotspot Detector for Copy Number Variants) program and only the CNVs predicted by at least two programs, were considered in subsequent analysis.

Literature cited by the submitters: PubMed 25666259.

NM_005235.2(ERBB4):c.83-200865_83-194068del

Gene: ERBB4 (erb-b2 receptor tyrosine kinase 4; minus strand). Cytogenetic location: 2q34.
Variant type: Deletion.
Coding change: c.83-200865_83-194068del on transcript NM_005235.2; 200865 bases into the intron before coding-DNA position 83 through 194068 bases into the intron before coding-DNA position 83, this stretch deleted.
Other names: c.83-200865_83-194068del (NM_001042599.1).
Identifiers: ClinVar variation 156818 (VCV000156818.2).